The following is an entry in ClinVar:

ClinVar aggregate classification (germline): Uncertain significance (1 of 4 stars; one submission).

gnomAD v4.1: 5 of 1,613,960 alleles (0.00031%); highest among the groups gnomAD compares: East Asian, 0.0045%; no homozygotes.

Submission:

Ambry Genetics
Classification: Uncertain significance. Last evaluated: 2024-12-16. Review status: criteria provided, single submitter. Criteria: Ambry Variant Classification Scheme 2023. Collection method: clinical testing. Allele origin: germline.
Comment: The p.V613G variant (also known as c.1838T>G), located in coding exon 2 of the CDK12 gene, results from a T to G substitution at nucleotide position 1838. The valine at codon 613 is replaced by glycine, an amino acid with dissimilar properties. This amino acid position is conserved. In addition, this alteration is predicted to be tolerated by in silico analysis. Based on the available evidence, the clinical significance of this variant remains unclear.

NM_016507.4(CDK12):c.1838T>G (p.Val613Gly)

Gene: CDK12 (cyclin dependent kinase 12; plus strand). Cytogenetic location: 17q12.
Variant type: single nucleotide variant.
Coding change: c.1838T>G on transcript NM_016507.4 (MANE Select); coding-DNA position 1838, T replaced by G.
Protein change: p.Val613Gly; replaces valine 613 with glycine.
Molecular consequence: missense variant.
Genome position (GRCh38, 1-based): chr17:39,471,670, T>G. VCF-style: chr17-39471670-T-G. GRCh37 (hg19) VCF-style: chr17-37627923-T-G.
Other names: c.1838T>G, p.Val613Gly (NM_015083.4); short protein forms V613G.
Identifiers: ClinVar variation 3830365 (VCV003830365.1).